The following is an entry in ClinVar:

ClinVar aggregate classification (germline): Uncertain significance. Review status: criteria provided, multiple submitters, no conflicts (2 of 4 stars). 2 submissions from 2 submitters: Uncertain significance (2). Last evaluated 2022-08-06.

Conditions:
Hereditary cancer-predisposing syndrome. Also called: Hereditary neoplastic syndrome; Neoplastic Syndromes, Hereditary; Tumor predisposition; Hereditary Cancer Syndrome. Identifiers: Orphanet 140162, MedGen C0027672, MeSH D009386, MONDO:0015356.
Microcephaly, normal intelligence and immunodeficiency (NBS). Also called: IMMUNODEFICIENCY, MICROCEPHALY, AND CHROMOSOMAL INSTABILITY; SEEMANOVA SYNDROME II; Nijmegen breakage syndrome; Microcephaly with normal intelligence immunodeficiency and lymphoreticular malignancies; Nonsyndromal microcephaly autosomal recessive with normal intelligence; Seemanova syndrome 2. Identifiers: Orphanet 647, MedGen C0398791, MONDO:0009623, OMIM 251260.

Submissions (2):

Labcorp Genetics (formerly Invitae), Labcorp
Classification: Uncertain significance for Microcephaly, normal intelligence and immunodeficiency. Last evaluated: 2022-08-06. Review status: criteria provided, single submitter. Criteria: Invitae Variant Classification Sherloc (09022015). Collection method: clinical testing. Allele origin: germline.
Comment: This sequence change replaces tyrosine, which is neutral and polar, with cysteine, which is neutral and slightly polar, at codon 746 of the NBN protein (p.Tyr746Cys). This variant is not present in population databases (gnomAD no frequency). This variant has not been reported in the literature in individuals affected with NBN-related conditions. ClinVar contains an entry for this variant (Variation ID: 480053). Algorithms developed to predict the effect of missense changes on protein structure and function are either unavailable or do not agree on the potential impact of this missense change (SIFT: "Deleterious"; PolyPhen-2: "Probably Damaging"; Align-GVGD: "Class C0"). In summary, the available evidence is currently insufficient to determine the role of this variant in disease. Therefore, it has been classified as a Variant of Uncertain Significance.

Ambry Genetics
Classification: Uncertain significance for Hereditary cancer-predisposing syndrome. Last evaluated: 2016-10-05. Review status: criteria provided, single submitter. Criteria: Ambry Variant Classification Scheme 2023. Collection method: clinical testing. Allele origin: germline.
Comment: The p.Y746C variant (also known as c.2237A>G), located in coding exon 16 of the NBN gene, results from an A to G substitution at nucleotide position 2237. The tyrosine at codon 746 is replaced by cysteine, an amino acid with highly dissimilar properties. This variant was not reported in population based cohorts in the following databases: Database of Single Nucleotide Polymorphisms (dbSNP), NHLBI Exome Sequencing Project (ESP), and 1000 Genomes Project. In the ESP, this variant was not observed in 6496 samples (12992 alleles) with coverage at this position. To date, this alteration has been detected with an allele frequency of approximately 0.001% (greater than 175000 alleles tested) in our clinical cohort. This amino acid position is highly conserved in available vertebrate species. In addition, the in silico prediction for this alteration is inconclusive. Since supporting evidence is limited at this time, the clinical significance of this alteration remains unclear.

NM_002485.5(NBN):c.2237A>G (p.Tyr746Cys)

Gene: NBN (nibrin; minus strand). Cytogenetic location: 8q21.3.
Variant type: single nucleotide variant.
Coding change: c.2237A>G on transcript NM_002485.5 (MANE Select); coding-DNA position 2237, A replaced by G.
Protein change: p.Tyr746Cys; replaces tyrosine 746 with cysteine.
Molecular consequence: missense variant.
Genome position (GRCh38, 1-based): chr8:89,935,610, T>C on the plus strand (A>G on the coding strand, the complement: NBN is on the minus strand). VCF-style: chr8-89935610-T-C. GRCh37 (hg19) VCF-style: chr8-90947838-T-C.
Other names: c.1991A>G, p.Tyr664Cys (NM_001024688.3); short protein forms Y746C, Y664C.
Identifiers: ClinVar variation 480053 (VCV000480053.10), dbSNP rs1554553893, ClinGen allele CA371674719.